The following is an entry in ClinVar:

ClinVar aggregate classification (germline): Uncertain significance (1 of 4 stars; one submission).

Conditions:
Psoriasis 2. Identifiers: MedGen C1864497, MONDO:0011269, OMIM 602723.
Pityriasis rubra pilaris (PRP). Also called: Pityriasis rubra pilaris--familial type. Identifiers: Orphanet 2897, MedGen C0032027, MONDO:0100017, OMIM 173200, MONDO:0008251.

gnomAD v4.1: 4 of 1,602,432 alleles (0.00025%); highest among the groups gnomAD compares: Non-Finnish European, 0.00034%; no homozygotes.

Submission:

Labcorp Genetics (formerly Invitae), Labcorp
Classification: Uncertain significance for Pityriasis rubra pilaris; Psoriasis 2. Last evaluated: 2025-12-03. Review status: criteria provided, single submitter. Criteria: Invitae Variant Classification Sherloc (09022015). Collection method: clinical testing. Allele origin: germline.
Comment: This sequence change replaces methionine, which is neutral and non-polar, with valine, which is neutral and non-polar, at codon 557 of the CARD14 protein (p.Met557Val). This variant is present in population databases (rs753689043, gnomAD 0.0009%). This variant has not been reported in the literature in individuals affected with CARD14-related conditions. Invitae Evidence Modeling of protein sequence and biophysical properties (such as structural, functional, and spatial information, amino acid conservation, physicochemical variation, residue mobility, and thermodynamic stability) indicates that this missense variant is not expected to disrupt CARD14 protein function with a negative predictive value of 95%. In summary, the available evidence is currently insufficient to determine the role of this variant in disease. Therefore, it has been classified as a Variant of Uncertain Significance.

NM_001366385.1(CARD14):c.1669A>G (p.Met557Val)

Gene: CARD14 (caspase recruitment domain family member 14; plus strand). Cytogenetic location: 17q25.3.
Variant type: single nucleotide variant.
Coding change: c.1669A>G on transcript NM_001366385.1 (MANE Select); coding-DNA position 1669, A replaced by G.
Protein change: p.Met557Val; replaces methionine 557 with valine.
Molecular consequence: missense variant. On other transcripts: non-coding transcript variant (1).
Genome position (GRCh38, 1-based): chr17:80,198,409, A>G. VCF-style: chr17-80198409-A-G. GRCh37 (hg19) VCF-style: chr17-78172208-A-G.
Other names: c.1669A>G, p.Met557Val (NM_001257970.1, NM_024110.4); c.958A>G, p.Met320Val (NM_052819.3); short protein forms M320V, M557V.
Identifiers: ClinVar variation 4783646 (VCV004783646.1).
Genomic context (GRCh38, chr17:80,198,409, plus strand): 5'-GGCTCTCCTGCTCTGGGCAGTGCACAAGCCGGTCGTCTCCCGGCCTGCAGCGGCGTCCTC[A>G]TGCGGCGGAGGCCAGCCCGCAGGATCCTGAGCCAGGTCACCATGCTGGCGTTCCAGGGGG-3'
Protein context (NP_001353314.1, residues 547-567): RLDVSESGVL[Met557Val]RRRPARRILS